The following is an entry in ClinVar:

NM_024426.6(WT1):c.*267G>C

Gene: WT1 (WT1 transcription factor; minus strand). Cytogenetic location: 11p13.
Variant type: single nucleotide variant.
Coding change: c.*267G>C on transcript NM_024426.6 (MANE Select); 267 bases downstream of the stop codon, G replaced by C.
Molecular consequence: 3 prime UTR variant. On other transcripts: non-coding transcript variant (1).
Genome position (GRCh38, 1-based): chr11:32,388,791, C>G on the plus strand (G>C on the coding strand, the complement: WT1 is on the minus strand). VCF-style: chr11-32388791-C-G. GRCh37 (hg19) VCF-style: chr11-32410337-C-G.
Other names: c.*267G>C (NM_000378.6, NM_001198551.2, NM_001198552.2 and 11 more transcripts).
Identifiers: ClinVar variation 304410 (VCV000304410.10), dbSNP rs5030317, ClinGen allele CA10638956.
Genomic context (GRCh38, chr11:32,388,791, plus strand): 5'-AAGAAGGGAAGGGTCAGGGGGACATGATCAGCTATGGCTCTTCTTACAGTAGAAAATCCA[C>G]ACCAAATGGCAATGGGCTTTTAACTAACCAGACATTGTTAGCTGCTTCTCCAGGGCCTGT-3'

ClinVar aggregate classification (germline): Benign. Review status: criteria provided, multiple submitters, no conflicts (2 of 4 stars). 10 submissions from 4 submitters: Benign (10). Last evaluated 2021-12-05.

Conditions:
Drash syndrome (DDS). Also called: NEPHROPATHY, WILMS TUMOR, AND GENITAL ANOMALIES; WILMS TUMOR AND PSEUDO- OR TRUE HERMAPHRODITISM. Identifiers: Orphanet 220, MedGen C0950121, MONDO:0008682, OMIM 194080.
Frasier syndrome. Identifiers: Orphanet 347, MedGen C0950122, MeSH D052159, MONDO:0007635, OMIM 136680.
Nephrotic syndrome, type 4 (NPHS4). Also called: Familial mesangial sclerosis; Nephrotic syndrome, early onset with diffuse mesangial sclerosis. Identifiers: Orphanet 656, MedGen C3151568, MONDO:0009733, OMIM 256370.
Meacham syndrome. Also called: Meacham Winn Culler syndrome. Identifiers: Orphanet 3097, MedGen C1837026, MONDO:0012164, OMIM 608978.
Wilms tumor 1 (WT1). Also called: Wilms tumor, somatic. Identifiers: Orphanet 654, MedGen CN033288, MONDO:0008679, OMIM 194070.

Allele frequency attached by ClinVar (database versions not stated): gnomAD exomes 0.34365; gnomAD 0.44381 and 0.44617; TOPMed 0.47199; 1000 Genomes Project 30x 0.58776; 1000 Genomes Project 0.58786.
gnomAD v4.1: 204,958 of 550,248 alleles (37%); highest among the groups gnomAD compares: African/African-American, 76%; 46,812 homozygotes.

Submissions (10):

Genome-Nilou Lab
Classification: Benign for Drash syndrome. Last evaluated: 2021-12-05. Review status: criteria provided, single submitter. Criteria: ACMG Guidelines, 2015. Collection method: clinical testing. Allele origin: germline. Affected: no.

Genome-Nilou Lab
Classification: Benign for Frasier syndrome. Last evaluated: 2021-12-05. Review status: criteria provided, single submitter. Criteria: ACMG Guidelines, 2015. Collection method: clinical testing. Allele origin: germline. Affected: no.

Genome-Nilou Lab
Classification: Benign for Meacham syndrome. Last evaluated: 2021-12-05. Review status: criteria provided, single submitter. Criteria: ACMG Guidelines, 2015. Collection method: clinical testing. Allele origin: germline. Affected: no.

Genome-Nilou Lab
Classification: Benign for Nephrotic syndrome, type 4. Last evaluated: 2021-12-05. Review status: criteria provided, single submitter. Criteria: ACMG Guidelines, 2015. Collection method: clinical testing. Allele origin: germline. Affected: no.

Genome-Nilou Lab
Classification: Benign for Wilms tumor 1. Last evaluated: 2021-12-05. Review status: criteria provided, single submitter. Criteria: ACMG Guidelines, 2015. Collection method: clinical testing. Allele origin: germline. Affected: no.

GeneDx
Classification: Benign. Last evaluated: 2018-08-09. Review status: criteria provided, single submitter. Criteria: GeneDx Variant Classification Process June 2021. Collection method: clinical testing. Allele origin: germline. Affected: yes.

Illumina Laboratory Services, Illumina
Classification: Benign for Wilms tumor 1. Last evaluated: 2018-01-13. Review status: criteria provided, single submitter. Criteria: ICSL Variant Classification Criteria 13 December 2019. Collection method: clinical testing. Allele origin: germline.
Comment: This variant was observed in the ICSL laboratory as part of a predisposition screen in an ostensibly healthy population. It had not been previously curated by ICSL or reported in the Human Gene Mutation Database (HGMD: prior to June 1st, 2018), and was therefore a candidate for classification through an automated scoring system. Utilizing variant allele frequency, disease prevalence and penetrance estimates, and inheritance mode, an automated score was calculated to assess if this variant is too frequent to cause the disease. Based on the score and internal cut-off values, a variant classified as benign is not then subjected to further curation. The score for this variant resulted in a classification of benign for this disease.

Illumina Laboratory Services, Illumina
Classification: Benign for Nephrotic syndrome, type 4. Last evaluated: 2018-01-13. Review status: criteria provided, single submitter. Criteria: ICSL Variant Classification Criteria 13 December 2019. Collection method: clinical testing. Allele origin: germline.
Comment: the same text as in the submission from Illumina Laboratory Services, Illumina above.

Illumina Laboratory Services, Illumina
Classification: Benign for Meacham syndrome. Last evaluated: 2018-01-13. Review status: criteria provided, single submitter. Criteria: ICSL Variant Classification Criteria 13 December 2019. Collection method: clinical testing. Allele origin: germline.
Comment: the same text as in the submission from Illumina Laboratory Services, Illumina above.

Breakthrough Genomics
Classification: Benign. Review status: criteria provided, single submitter. Criteria: ACMG Guidelines, 2015. Collection method: not provided. Allele origin: germline. Inheritance: Autosomal dominant inheritance. Affected: yes.